The following is an entry in ClinVar:

ClinVar aggregate classification (germline): Uncertain significance (1 of 4 stars; one submission).

Conditions:
CEP290-related disorder. Also called: CEP290-related condition; CEP290-related disorders. Identifiers: MedGen CN239314.

gnomAD v4.1: 2 of 1,588,182 alleles (0.00013%); highest among the groups gnomAD compares: Admixed American, 0.0036%; no homozygotes.

Submission:

PreventionGenetics, part of Exact Sciences
Classification: Uncertain significance for CEP290-related condition. Last evaluated: 2026-07-10. Review status: criteria provided, single submitter. Criteria: ACMG Guidelines, 2015. Collection method: clinical testing. Allele origin: germline.
Comment: The CEP290 c.6085C>T variant is predicted to result in the amino acid substitution p.Leu2029Phe. To our knowledge, this variant has not been reported in the literature. This variant is reported in 0.010% of alleles in individuals of Latino descent in gnomAD. At this time, the clinical significance of this variant is uncertain due to the absence of conclusive functional and genetic evidence.

NM_025114.4(CEP290):c.6085C>T (p.Leu2029Phe)

Gene: CEP290 (centrosomal protein 290; minus strand). Cytogenetic location: 12q21.32.
Variant type: single nucleotide variant.
Coding change: c.6085C>T on transcript NM_025114.4 (MANE Select); coding-DNA position 6085, C replaced by T.
Protein change: p.Leu2029Phe; replaces leucine 2029 with phenylalanine.
Molecular consequence: missense variant.
Genome position (GRCh38, 1-based): chr12:88,068,572, G>A on the plus strand (C>T on the coding strand, the complement: CEP290 is on the minus strand). VCF-style: chr12-88068572-G-A. GRCh37 (hg19) VCF-style: chr12-88462349-G-A.
Other names: short protein forms L2029F.
Identifiers: ClinVar variation 4983889 (VCV004983889.1).